The following is an entry in ClinVar:

NM_001165963.4(SCN1A):c.3968C>T (p.Pro1323Leu)

Genes: SCN1A (sodium voltage-gated channel alpha subunit 1; minus strand), LOC102724058 (uncharacterized LOC102724058; plus strand). Cytogenetic location: 2q24.3.
Variant type: single nucleotide variant.
Coding change: c.3968C>T on transcript NM_001165963.4 (MANE Select); coding-DNA position 3968, C replaced by T.
Protein change: p.Pro1323Leu; replaces proline 1323 with leucine.
Molecular consequence: missense variant. On other transcripts: non-coding transcript variant (1).
Genome position (GRCh38, 1-based): chr2:166,009,753, G>A on the plus strand (C>T on the coding strand, the complement: SCN1A is on the minus strand). VCF-style: chr2-166009753-G-A. GRCh37 (hg19) VCF-style: chr2-166866263-G-A.
Other names: c.3884C>T, p.Pro1295Leu (NM_001165964.3, NM_001353957.2, NM_001353958.2); c.3968C>T, p.Pro1323Leu (NM_001202435.3, NM_001353948.2); c.3935C>T, p.Pro1312Leu (NM_001353949.2, NM_001353950.2, NM_001353951.2 and 2 more transcripts); c.3932C>T, p.Pro1311Leu (NM_001353954.2, NM_001353955.2); c.3881C>T, p.Pro1294Leu (NM_001353960.2); c.1526C>T, p.Pro509Leu (NM_001353961.2); short protein forms P1312L, P1323L, P1294L, P509L, P1311L, P1295L.
Identifiers: ClinVar variation 633407 (VCV000633407.12), dbSNP rs1057521746, ClinGen allele CA349053029.
Genomic context (GRCh38, chr2:166,009,753, plus strand): 5'-ACTTCAGGTTCTTTCATTTTTCTTACCCTCATCCCTTCAAATCGAGATAAGGCTCTTAGA[G>A]GTCTCAGAGCTCTTAGTGTCCTGAGAGATTTGATGGCTCCAAGTTCTGAGTAACCCAAGG-3'
Protein context (NP_001159435.1, residues 1313-1333): KSLRTLRALR[Pro1323Leu]LRALSRFEGM

ClinVar aggregate classification (germline): Conflicting classifications of pathogenicity. Review status: criteria provided, conflicting classifications (1 of 4 stars). 2 submissions from 2 submitters: Likely pathogenic (1); Uncertain significance (1). Last evaluated 2022-07-18.

Conditions:
Early-infantile DEE. Also called: Early infantile epileptic encephalopathy; Early infantile epileptic encephalopathy with suppression bursts; Ohtahara syndrome. Identifiers: Orphanet 1934, MedGen C0393706, MONDO:0800491.

Submissions (2):

Labcorp Genetics (formerly Invitae), Labcorp
Classification: Likely pathogenic for Early-infantile DEE. Last evaluated: 2022-07-18. Review status: criteria provided, single submitter. Criteria: Invitae Variant Classification Sherloc (09022015). Collection method: clinical testing. Allele origin: germline.
Comment: This sequence change replaces proline, which is neutral and non-polar, with leucine, which is neutral and non-polar, at codon 1323 of the SCN1A protein (p.Pro1323Leu). In summary, the currently available evidence indicates that the variant is pathogenic, but additional data are needed to prove that conclusively. Therefore, this variant has been classified as Likely Pathogenic. This variant disrupts the p.Pro1323 amino acid residue in SCN1A. Other variant(s) that disrupt this residue have been observed in individuals with SCN1A-related conditions (PMID: 21868258, 24472396), which suggests that this may be a clinically significant amino acid residue. Advanced modeling of protein sequence and biophysical properties (such as structural, functional, and spatial information, amino acid conservation, physicochemical variation, residue mobility, and thermodynamic stability) performed at Invitae indicates that this missense variant is expected to disrupt SCN1A protein function. ClinVar contains an entry for this variant (Variation ID: 633407). This variant has not been reported in the literature in individuals affected with SCN1A-related conditions. This variant is not present in population databases (gnomAD no frequency).

Women's Health and Genetics/Laboratory Corporation of America, LabCorp
Classification: Uncertain significance. Last evaluated: 2019-04-16. Review status: criteria provided, single submitter. Criteria: LabCorp Variant Classification Summary - May 2015. Collection method: clinical testing. Allele origin: germline.
Comment: Variant summary: SCN1A c.3968C>T (p.Pro1323Leu) results in a non-conservative amino acid change located in the Ion transport domain of the encoded protein sequence. Five of five in-silico tools predict a damaging effect of the variant on protein function. The variant was absent in 249714 control chromosomes (gnomAD). The available data on variant occurrences in the general population are insufficient to allow any conclusion about variant significance. To our knowledge, no occurrence of c.3968C>T in individuals affected with SCN1A-Related Seizure Disorder and no experimental evidence demonstrating its impact on protein function have been reported. No clinical diagnostic laboratories have submitted clinical-significance assessments for this variant to ClinVar after 2014. Based on the evidence outlined above, the variant was classified as uncertain significance.

Literature cited by the submitters: PubMed 21868258 (cited by Labcorp Genetics (formerly Invitae), Labcorp); PubMed 24472396 (cited by Labcorp Genetics (formerly Invitae), Labcorp).